The following is an entry in ClinVar:

ClinVar aggregate classification (germline): Likely benign. Review status: criteria provided, multiple submitters, no conflicts (2 of 4 stars). 2 submissions from 2 submitters: Likely benign (2). Last evaluated 2025-02-13.

Conditions:
Combined immunodeficiency due to DOCK8 deficiency (HIES2). Also called: HYPER-IgE SYNDROME 2, AUTOSOMAL RECESSIVE, WITH RECURRENT INFECTIONS; DOCK8 Deficiency; HIES autosomal recessive; Hyper-IgE recurrent infection syndrome, autosomal recessive; HYPER-IgE RECURRENT INFECTION SYNDROME 2, AUTOSOMAL RECESSIVE. Identifiers: Orphanet 217390, MedGen C4722305, MONDO:0009478, OMIM 243700.

Allele frequency attached by ClinVar (database versions not stated): TOPMed 0.00001; gnomAD exomes 0.00002; ExAC 0.00006; 1000 Genomes Project 30x 0.00016; 1000 Genomes Project 0.00020.
gnomAD v4.1: 25 of 1,614,098 alleles (0.0015%); highest among the groups gnomAD compares: East Asian, 0.013%; 1 homozygote.

Submissions (2):

Labcorp Genetics (formerly Invitae), Labcorp
Classification: Likely benign for Combined immunodeficiency due to DOCK8 deficiency. Last evaluated: 2025-02-13. Review status: criteria provided, single submitter. Criteria: Invitae Variant Classification Sherloc (09022015). Collection method: clinical testing. Allele origin: germline.

CeGaT Center for Human Genetics Tuebingen
Classification: Likely benign. Last evaluated: 2023-04-01. Review status: criteria provided, single submitter. Criteria: CeGaT Center For Human Genetics Tuebingen Variant Classification Criteria Version 2. Collection method: clinical testing. Allele origin: germline. Affected: yes. Observed: 1 variant allele.
Comment: DOCK8: BP4, BP7

NM_203447.4(DOCK8):c.2727G>A (p.Ala909=)

Gene: DOCK8 (dedicator of cytokinesis 8; plus strand). Cytogenetic location: 9p24.3.
Variant type: single nucleotide variant.
Coding change: c.2727G>A on transcript NM_203447.4 (MANE Select); coding-DNA position 2727, G replaced by A.
Protein change: p.Ala909=; no amino-acid change (alanine 909 retained).
Molecular consequence: synonymous variant.
Genome position (GRCh38, 1-based): chr9:382,634, G>A. VCF-style: chr9-382634-G-A. GRCh37 (hg19) VCF-style: chr9-382634-G-A.
Other names: c.2523G>A, p.Ala841= (NM_001190458.2, NM_001193536.2).
Identifiers: ClinVar variation 2659016 (VCV002659016.27), dbSNP rs565049698, ClinGen allele CA4958297.